The following is an entry in ClinVar:

ClinVar aggregate classification (germline): Uncertain significance (1 of 4 stars; one submission).

Conditions:
NPAT-related disorder. Also called: NPAT-related condition.

Submission:

PreventionGenetics, part of Exact Sciences
Classification: Uncertain significance for NPAT-related condition. Last evaluated: 2026-04-26. Review status: criteria provided, single submitter. Criteria: ACMG Guidelines, 2015. Collection method: clinical testing. Allele origin: germline.
Comment: The NPAT c.3856C>A variant is predicted to result in the amino acid substitution p.His1286Asn. To our knowledge, this variant has not been reported in the literature or in a large population database (gnomAD), indicating this variant is rare. At this time, the clinical significance of this variant is uncertain due to the absence of conclusive functional and genetic evidence.

NM_002519.3(NPAT):c.3835C>A (p.His1279Asn)

Gene: NPAT (nuclear protein, coactivator of histone transcription; minus strand). Cytogenetic location: 11q22.3.
Variant type: single nucleotide variant.
Coding change: c.3835C>A on transcript NM_002519.3 (MANE Select); coding-DNA position 3835, C replaced by A.
Protein change: p.His1279Asn; replaces histidine 1279 with asparagine.
Molecular consequence: missense variant.
Genome position (GRCh38, 1-based): chr11:108,161,251, G>T on the plus strand (C>A on the coding strand, the complement: NPAT is on the minus strand). VCF-style: chr11-108161251-G-T. GRCh37 (hg19) VCF-style: chr11-108031978-G-T.
Other names: c.3856C>A, p.His1286Asn (NM_001321307.1); short protein forms H1279N, H1286N.
Identifiers: ClinVar variation 4985153 (VCV004985153.1).